The following is an entry in ClinVar:

NM_006445.4(PRPF8):c.43C>T (p.Pro15Ser)

Gene: PRPF8 (pre-mRNA processing factor 8; minus strand). Cytogenetic location: 17p13.3.
Variant type: single nucleotide variant.
Coding change: c.43C>T on transcript NM_006445.4 (MANE Select); coding-DNA position 43, C replaced by T.
Protein change: p.Pro15Ser; replaces proline 15 with serine.
Molecular consequence: missense variant.
Genome position (GRCh38, 1-based): chr17:1,684,529, G>A on the plus strand (C>T on the coding strand, the complement: PRPF8 is on the minus strand). VCF-style: chr17-1684529-G-A. GRCh37 (hg19) VCF-style: chr17-1587823-G-A.
Other names: short protein forms P15S.
Identifiers: ClinVar variation 1507830 (VCV001507830.6), dbSNP rs761875801, ClinGen allele CA286819653.

ClinVar aggregate classification (germline): Uncertain significance (1 of 4 stars; one submission).

Allele frequency attached by ClinVar (database versions not stated): gnomAD exomes below 0.00001 and 0.00004; gnomAD 0.00001; TOPMed 0.00002.
gnomAD v4.1: 54 of 1,612,474 alleles (0.0033%); highest among the groups gnomAD compares: Non-Finnish European, 0.0045%; no homozygotes.

Submission:

Labcorp Genetics (formerly Invitae), Labcorp
Classification: Uncertain significance. Last evaluated: 2023-07-17. Review status: criteria provided, single submitter. Criteria: Invitae Variant Classification Sherloc (09022015). Collection method: clinical testing. Allele origin: germline.
Comment: In summary, the available evidence is currently insufficient to determine the role of this variant in disease. Therefore, it has been classified as a Variant of Uncertain Significance. An algorithm developed to predict the effect of missense changes on protein structure and function (PolyPhen-2) suggests that this variant is likely to be tolerated. ClinVar contains an entry for this variant (Variation ID: 1507830). This variant has not been reported in the literature in individuals affected with PRPF8-related conditions. This variant is present in population databases (rs761875801, gnomAD 0.002%). This sequence change replaces proline, which is neutral and non-polar, with serine, which is neutral and polar, at codon 15 of the PRPF8 protein (p.Pro15Ser).